The following is an entry in ClinVar:

ClinVar aggregate classification (germline): Uncertain significance (1 of 4 stars; one submission).

Conditions:
Hereditary cancer-predisposing syndrome. Also called: Neoplastic Syndromes, Hereditary; Tumor predisposition; Hereditary Cancer Syndrome; Hereditary neoplastic syndrome. Identifiers: Orphanet 140162, MedGen C0027672, MeSH D009386, MONDO:0015356.

gnomAD v4.1: 1 of 1,555,802 alleles (0.000064%); highest among the groups gnomAD compares: Non-Finnish European, 0.000087%; no homozygotes.

Submission:

Ambry Genetics
Classification: Uncertain significance for Hereditary cancer-predisposing syndrome. Last evaluated: 2026-01-11. Review status: criteria provided, single submitter. Criteria: Ambry Variant Classification Scheme 2023. Collection method: clinical testing. Allele origin: germline.
Comment: The p.V61F variant (also known as c.181G>T), located in coding exon 1 of the POLD1 gene, results from a G to T substitution at nucleotide position 181. The valine at codon 61 is replaced by phenylalanine, an amino acid with highly similar properties. This amino acid position is conserved. In addition, this alteration is predicted to be tolerated by in silico analysis. Based on the available evidence, the clinical significance of this variant remains unclear.

NM_002691.4(POLD1):c.181G>T (p.Val61Phe)

Gene: POLD1 (DNA polymerase delta 1, catalytic subunit; plus strand). Cytogenetic location: 19q13.33.
Variant type: single nucleotide variant.
Coding change: c.181G>T on transcript NM_002691.4 (MANE Select); coding-DNA position 181, G replaced by T.
Protein change: p.Val61Phe; replaces valine 61 with phenylalanine.
Molecular consequence: missense variant. On other transcripts: non-coding transcript variant (1).
Genome position (GRCh38, 1-based): chr19:50,399,032, G>T. VCF-style: chr19-50399032-G-T. GRCh37 (hg19) VCF-style: chr19-50902289-G-T.
Other names: c.181G>T, p.Val61Phe (NM_001256849.1, NM_001308632.1, NM_001438210.1 and 3 more transcripts); short protein forms V61F.
Identifiers: ClinVar variation 4841600 (VCV004841600.1).
Genomic context (GRCh38, chr19:50,399,032, plus strand): 5'-ATGGAGGAGATGGAGGCAGAACACAGGCTGCAGGAGCAGGAGGAGGAGGAGCTGCAGTCA[G>T]TCCTGGAGGGGGTTGCAGACGGTAAGGCTTGGAGTTGGAGGTTCCTGCTGCCCAACCCAT-3'
Protein context (NP_002682.2, residues 51-71): QEQEEEELQS[Val61Phe]LEGVADGQVP